The following is an entry in ClinVar:

ClinVar aggregate classification (germline): Uncertain significance. Review status: criteria provided, multiple submitters, no conflicts (2 of 4 stars). 3 submissions from 3 submitters: Uncertain significance (3). Last evaluated 2025-06-17.

Conditions:
Legius syndrome. Identifiers: Orphanet 137605, MedGen C1969623, MONDO:0012669, OMIM 611431. Disease mechanism: loss of function.
Cardiovascular phenotype. Identifiers: MedGen CN230736.

Allele frequency attached by ClinVar (database versions not stated): gnomAD exomes below 0.00001; TOPMed below 0.00001.
gnomAD v4.1: 3 of 1,611,506 alleles (0.00019%); highest among the groups gnomAD compares: Middle Eastern, 0.017%; no homozygotes.

Submissions (3):

Labcorp Genetics (formerly Invitae), Labcorp
Classification: Uncertain significance for Legius syndrome. Last evaluated: 2025-06-17. Review status: criteria provided, single submitter. Criteria: Invitae Variant Classification Sherloc (09022015). Collection method: clinical testing. Allele origin: germline.
Comment: This sequence change replaces glycine, which is neutral and non-polar, with alanine, which is neutral and non-polar, at codon 198 of the SPRED1 protein (p.Gly198Ala). This variant is not present in population databases (gnomAD no frequency). This variant has not been reported in the literature in individuals affected with SPRED1-related conditions. ClinVar contains an entry for this variant (Variation ID: 2454060). Invitae Evidence Modeling of protein sequence and biophysical properties (such as structural, functional, and spatial information, amino acid conservation, physicochemical variation, residue mobility, and thermodynamic stability) indicates that this missense variant is not expected to disrupt SPRED1 protein function with a negative predictive value of 80%. In summary, the available evidence is currently insufficient to determine the role of this variant in disease. Therefore, it has been classified as a Variant of Uncertain Significance.

Women's Health and Genetics/Laboratory Corporation of America, LabCorp
Classification: Uncertain significance. Last evaluated: 2025-03-17. Review status: criteria provided, single submitter. Criteria: LabCorp Variant Classification Summary - May 2015. Collection method: clinical testing. Allele origin: germline.

Ambry Genetics
Classification: Uncertain significance for Cardiovascular phenotype. Last evaluated: 2023-01-16. Review status: criteria provided, single submitter. Criteria: Ambry Variant Classification Scheme 2023. Collection method: clinical testing. Allele origin: germline.
Comment: The p.G198A variant (also known as c.593G>C), located in coding exon 6 of the SPRED1 gene, results from a G to C substitution at nucleotide position 593. The glycine at codon 198 is replaced by alanine, an amino acid with similar properties. This amino acid position is conserved. In addition, this alteration is predicted to be tolerated by in silico analysis. Since supporting evidence is limited at this time, the clinical significance of this alteration remains unclear.

NM_152594.3(SPRED1):c.593G>C (p.Gly198Ala)

Gene: SPRED1 (sprouty related EVH1 domain containing 1; plus strand). Cytogenetic location: 15q14.
Variant type: single nucleotide variant.
Coding change: c.593G>C on transcript NM_152594.3 (MANE Select); coding-DNA position 593, G replaced by C.
Protein change: p.Gly198Ala; replaces glycine 198 with alanine.
Molecular consequence: missense variant.
Genome position (GRCh38, 1-based): chr15:38,349,432, G>C. VCF-style: chr15-38349432-G-C. GRCh37 (hg19) VCF-style: chr15-38641633-G-C.
Other names: short protein forms G198A.
Identifiers: ClinVar variation 2454060 (VCV002454060.5), dbSNP rs1186657394, ClinGen allele CA391932790.
Genomic context (GRCh38, chr15:38,349,432, plus strand): 5'-TTAAAAGTAAAATTCTTGTGTCATTTAAGTAGAAATTGTTTGTATTTTAGATAACATTTG[G>C]TCAGCCAGGCTTGGACATTCAGAGCAGAAGTATGGAATACGTACAGCGGCAAATATCCAA-3'
Protein context (NP_689807.1, residues 188-208): MQSQANQITF[Gly198Ala]QPGLDIQSRS